The following is an entry in ClinVar:

NM_144605.5(SEPTIN12):c.744C>T (p.Ala248=)

Gene: SEPTIN12 (septin 12; minus strand). Cytogenetic location: 16p13.3.
Variant type: single nucleotide variant.
Coding change: c.744C>T on transcript NM_144605.5 (MANE Select); coding-DNA position 744, C replaced by T.
Protein change: p.Ala248=; no amino-acid change (alanine 248 retained).
Molecular consequence: synonymous variant.
Genome position (GRCh38, 1-based): chr16:4,779,769, G>A on the plus strand (C>T on the coding strand, the complement: SEPTIN12 is on the minus strand). VCF-style: chr16-4779769-G-A. GRCh37 (hg19) VCF-style: chr16-4829770-G-A.
Other names: c.606C>T, p.Ala202= (NM_001154458.3).
Identifiers: ClinVar variation 3033315 (VCV003033315.2), dbSNP rs147729577, ClinGen allele CA7881866.

ClinVar aggregate classification (germline): Likely benign (0 of 4 stars; one submission).

Conditions:
SEPTIN12-related disorder. Also called: SEPTIN12-related condition.

Allele frequency attached by ClinVar (database versions not stated): ExAC 0.00021; ESP Exome Variant Server 0.00031; TOPMed 0.00019; gnomAD exomes 0.00038.
gnomAD v4.1: 593 of 1,611,958 alleles (0.037%); highest among the groups gnomAD compares: Non-Finnish European, 0.047%; 2 homozygotes.

Submission:

PreventionGenetics, part of Exact Sciences
Classification: Likely benign for SEPTIN12-related condition. Last evaluated: 2019-02-21. Review status: no assertion criteria provided. Collection method: clinical testing. Allele origin: germline.
Comment: This variant is classified as likely benign based on ACMG/AMP sequence variant interpretation guidelines (Richards et al. 2015 PMID: 25741868, with internal and published modifications).